The following is an entry in ClinVar:

ClinVar aggregate classification (germline): Conflicting classifications of pathogenicity. Review status: criteria provided, conflicting classifications (1 of 4 stars). 3 submissions from 3 submitters: Uncertain significance (2); Likely benign (1). Last evaluated 2025-04-14.

Conditions:
Hereditary breast ovarian cancer syndrome. Also called: Hereditary breast and ovarian cancer syndrome; Breast and ovarian cancer; BRCA1- and BRCA2-Associated Hereditary Breast and Ovarian Cancer; Hereditary breast and ovarian cancer; Hereditary breast and/or ovarian cancer syndrome; Hereditary breast and ovarian cancer syndrome (HBOC). Identifiers: Orphanet 145, MedGen C0677776, MeSH D061325, MONDO:0003582. Disease mechanism: loss of function.
Hereditary cancer-predisposing syndrome. Also called: Hereditary neoplastic syndrome; Neoplastic Syndromes, Hereditary; Tumor predisposition; Hereditary Cancer Syndrome. Identifiers: Orphanet 140162, MedGen C0027672, MeSH D009386, MONDO:0015356.

Submissions (3):

Labcorp Genetics (formerly Invitae), Labcorp
Classification: Uncertain significance for Hereditary breast ovarian cancer syndrome. Last evaluated: 2025-04-14. Review status: criteria provided, single submitter. Criteria: Invitae Variant Classification Sherloc (09022015). Collection method: clinical testing. Allele origin: germline.
Comment: This sequence change replaces methionine, which is neutral and non-polar, with isoleucine, which is neutral and non-polar, at codon 784 of the BRCA2 protein (p.Met784Ile). This variant is not present in population databases (gnomAD no frequency). This variant has not been reported in the literature in individuals affected with BRCA2-related conditions. ClinVar contains an entry for this variant (Variation ID: 834747). Invitae Evidence Modeling of protein sequence and biophysical properties (such as structural, functional, and spatial information, amino acid conservation, physicochemical variation, residue mobility, and thermodynamic stability) indicates that this missense variant is not expected to disrupt BRCA2 protein function with a negative predictive value of 95%. In summary, the available evidence is currently insufficient to determine the role of this variant in disease. Therefore, it has been classified as a Variant of Uncertain Significance.

University of Washington Department of Laboratory Medicine, University of Washington
Classification: Likely benign for Hereditary cancer-predisposing syndrome. Last evaluated: 2023-03-23. Review status: criteria provided, single submitter. Criteria: Dines et al. (Genet Med. 2020). Collection method: curation. Allele origin: germline.
Comment: Missense variant in a coldspot region where missense variants are very unlikely to be pathogenic (PMID:31911673).

BRCA2 exon 11 coldspot. Reclassification based on statistical prior probability.

Ambry Genetics
Classification: Uncertain significance for Hereditary cancer-predisposing syndrome. Last evaluated: 2015-12-06. Review status: criteria provided, single submitter. Criteria: Ambry Variant Classification Scheme 2023. Collection method: clinical testing. Allele origin: germline.
Comment: The p.M784I variant (also known as c.2352G>A), located in coding exon 10 of the BRCA2 gene, results from a G to A substitution at nucleotide position 2352. The methionine at codon 784 is replaced by isoleucine, an amino acid with highly similar properties. This variant was not reported in population based cohorts in the following databases: Database of Single Nucleotide Polymorphisms (dbSNP), NHLBI Exome Sequencing Project (ESP), and 1000 Genomes Project. In the ESP, this variant was not observed in 6503 samples (13006 alleles) with coverage at this position. To date, this alteration has been detected with an allele frequency of approximately 0.0004% (greater than 225000 alleles tested) in our clinical cohort. This amino acid position is poorly conserved in available vertebrate species. In addition, this alteration is predicted to be tolerated by in silico analysis. Since supporting evidence is limited at this time, the clinical significance of p.M784I remains unclear.

NM_000059.4(BRCA2):c.2352G>A (p.Met784Ile)

Gene: BRCA2 (BRCA2 DNA repair associated; plus strand). Cytogenetic location: 13q13.1.
Variant type: single nucleotide variant.
Coding change: c.2352G>A on transcript NM_000059.4 (MANE Select); coding-DNA position 2352, G replaced by A.
Protein change: p.Met784Ile; replaces methionine 784 with isoleucine.
Molecular consequence: missense variant.
Genome position (GRCh38, 1-based): chr13:32,336,707, G>A. VCF-style: chr13-32336707-G-A. GRCh37 (hg19) VCF-style: chr13-32910844-G-A.
Other names: short protein forms M784I.
Identifiers: ClinVar variation 834747 (VCV000834747.16), dbSNP rs2072455836, ClinGen allele CA387771653.